The following is an entry in ClinVar:

ClinVar aggregate classification (germline): Uncertain significance (1 of 4 stars; one submission).

Submission:

Labcorp Genetics (formerly Invitae), Labcorp
Classification: Uncertain significance. Last evaluated: 2022-03-07. Review status: criteria provided, single submitter. Criteria: Invitae Variant Classification Sherloc (09022015). Collection method: clinical testing. Allele origin: germline.
Comment: In summary, the available evidence is currently insufficient to determine the role of this variant in disease. Therefore, it has been classified as a Variant of Uncertain Significance. Algorithms developed to predict the effect of sequence changes on RNA splicing suggest that this variant may disrupt the consensus splice site. Algorithms developed to predict the effect of missense changes on protein structure and function are either unavailable or do not agree on the potential impact of this missense change (SIFT: "Deleterious"; PolyPhen-2: "Probably Damaging"; Align-GVGD: "Class C0"). This variant has not been reported in the literature in individuals affected with MTHFD1-related conditions. This variant is not present in population databases (gnomAD no frequency). This sequence change replaces glutamic acid, which is acidic and polar, with valine, which is neutral and non-polar, at codon 384 of the MTHFD1 protein (p.Glu384Val).

NM_005956.4(MTHFD1):c.1151A>T (p.Glu384Val)

Gene: MTHFD1 (methylenetetrahydrofolate dehydrogenase, cyclohydrolase and formyltetrahydrofolate synthetase 1; plus strand). Cytogenetic location: 14q23.3.
Variant type: single nucleotide variant.
Coding change: c.1151A>T on transcript NM_005956.4 (MANE Select); coding-DNA position 1151, A replaced by T.
Protein change: p.Glu384Val; replaces glutamic acid 384 with valine.
Molecular consequence: missense variant.
Genome position (GRCh38, 1-based): chr14:64,427,360, A>T. VCF-style: chr14-64427360-A-T. GRCh37 (hg19) VCF-style: chr14-64894078-A-T.
Other names: c.1151A>T, p.Glu384Val (NM_001364837.1); short protein forms E384V.
Identifiers: ClinVar variation 2074251 (VCV002074251.4), dbSNP rs2550501555, ClinGen allele CA389988759.